The following is an entry in ClinVar:

NM_002609.4(PDGFRB):c.1037C>T (p.Pro346Leu)

Gene: PDGFRB (platelet derived growth factor receptor beta; minus strand). Cytogenetic location: 5q32.
Variant type: single nucleotide variant.
Coding change: c.1037C>T on transcript NM_002609.4 (MANE Select); coding-DNA position 1037, C replaced by T.
Protein change: p.Pro346Leu; replaces proline 346 with leucine.
Molecular consequence: missense variant.
Genome position (GRCh38, 1-based): chr5:150,132,840, G>A on the plus strand (C>T on the coding strand, the complement: PDGFRB is on the minus strand). VCF-style: chr5-150132840-G-A. GRCh37 (hg19) VCF-style: chr5-149512403-G-A.
Other names: c.845C>T, p.Pro282Leu (NM_001355016.2); c.554C>T, p.Pro185Leu (NM_001355017.2); short protein forms P185L, P282L, P346L.
Identifiers: ClinVar variation 3365756 (VCV003365756.1).

ClinVar aggregate classification (germline): Uncertain significance (1 of 4 stars; one submission).

Submission:

GeneDx
Classification: Uncertain significance. Last evaluated: 2023-12-18. Review status: criteria provided, single submitter. Criteria: GeneDx Variant Classification Process June 2021. Collection method: clinical testing. Allele origin: germline. Affected: yes.
Comment: Not observed at significant frequency in large population cohorts (gnomAD); In silico analysis supports that this missense variant has a deleterious effect on protein structure/function; Has not been previously published as pathogenic or benign to our knowledge